The following is an entry in ClinVar:

ClinVar aggregate classification (germline): Pathogenic. Review status: criteria provided, multiple submitters, no conflicts (2 of 4 stars). 8 submissions from 8 submitters: Pathogenic (7). 1 of the submissions does not count toward it. Last evaluated 2025-08-22.

Conditions:
Hereditary cancer-predisposing syndrome. Also called: Neoplastic Syndromes, Hereditary; Hereditary Cancer Syndrome; Tumor predisposition; Hereditary neoplastic syndrome. Identifiers: Orphanet 140162, MedGen C0027672, MeSH D009386, MONDO:0015356.
Ataxia-telangiectasia syndrome (AT). Also called: LOUIS-BAR SYNDROME; Cerebello-oculocutaneous telangiectasia; Immunodeficiency with ataxia telangiectasia; Ataxia-telangiectasia, complementation group D; AT, COMPLEMENTATION GROUP C; Ataxia-telangiectasia, complementation group E. Identifiers: Orphanet 100, MedGen C0004135, MONDO:0008840, OMIM 208900.
Familial cancer of breast. Also called: Hereditary breast cancer; BREAST CANCER, FAMILIAL; hereditary breast carcinoma. Identifiers: Orphanet 227535, MedGen C0346153, MONDO:0016419, OMIM 114480. Disease mechanism: loss of function.

Allele frequency attached by ClinVar (database versions not stated): gnomAD exomes below 0.00001; TOPMed below 0.00001.

Submissions (8):

Quest Diagnostics Nichols Institute San Juan Capistrano
Classification: Pathogenic. Last evaluated: 2025-08-22. Review status: criteria provided, single submitter. Criteria: Quest Diagnostics criteria. Collection method: clinical testing. Allele origin: unknown.
Comment: The ATM c.6015dup (p.Glu2007Argfs*11) variant alters the translational reading frame of the ATM mRNA and causes the premature termination of ATM protein synthesis. This variant has been reported in the published literature in an individual with Lynch syndrome-associated cancer and/or colorectal polyps (PMID: 25980754 (2015)), and in individuals with renal cell cancer (PMIDs: 37864521 (2024), 34654685 (2021)) or prostate cancer (PMIDs: 31948886 (2020), 27989354 (2017)). In addition, this variant has been detected in homozygosity or in compound heterozygosity with a second pathogenic ATM variant in multiple individuals with ataxia-telangiectasia (PMIDs: 12673797 (2003), 10817650 (2000), 9872980 (1998), 8659541 (1996)). This variant has not been reported in large, multi-ethnic general populations (Genome Aggregation Database). Based on the available information, this variant is classified as pathogenic.

Labcorp Genetics (formerly Invitae), Labcorp
Classification: Pathogenic for Ataxia-telangiectasia syndrome. Last evaluated: 2025-07-22. Review status: criteria provided, single submitter. Criteria: Invitae Variant Classification Sherloc (09022015). Collection method: clinical testing. Allele origin: germline.
Comment: This sequence change creates a premature translational stop signal (p.Glu2007Argfs*11) in the ATM gene. It is expected to result in an absent or disrupted protein product. Loss-of-function variants in ATM are known to be pathogenic (PMID: 23807571, 25614872). This variant is not present in population databases (gnomAD no frequency). This premature translational stop signal has been observed in individual(s) with ataxia-telangiectasia, prostate cancer, and a Lynch syndrome associated cancer (PMID: 8659541, 25980754, 27989354). ClinVar contains an entry for this variant (Variation ID: 490638). For these reasons, this variant has been classified as Pathogenic.

Ambry Genetics
Classification: Pathogenic for Hereditary cancer-predisposing syndrome. Last evaluated: 2024-05-17. Review status: criteria provided, single submitter. Criteria: Ambry Variant Classification Scheme 2023. Collection method: clinical testing. Allele origin: germline.
Comment: The c.6015dupC pathogenic mutation, located in coding exon 40 of the ATM gene, results from a duplication of C at nucleotide position 6015, causing a translational frameshift with a predicted alternate stop codon (p.E2007Rfs*11). This mutation has been reported in multiple individuals with ataxia telangiectasia (AT) (Telatar M et al. Am. J. Hum. Genet., 1996 Jul;59:40-4; Hacia JG et al. Genome Res., 1998 Dec;8:1245-58; Li A et al. Am J Med Genet, 2000 May;92:170-7; Chun HH et al. Int J Cancer, 2002 Feb;97:726-31). This mutation has also been reported in multiple patients with prostate cancer (Na R et al. Eur Urol, 2017 05;71:740-747; Wu Y et al. Eur Urol Oncol, 2020 04;3:224-230), and in a cohort of women with asynchronous bilateral breast cancer and unilateral breast cancer (Bernstein JL et al. Hum Mutat, 2003 May;21:542-50). In addition to the clinical data presented in the literature, this alteration is expected to result in loss of function by premature protein truncation or nonsense-mediated mRNA decay. As such, this alteration is interpreted as a disease-causing mutation.

Color Diagnostics, LLC DBA Color Health
Classification: Pathogenic for Hereditary cancer-predisposing syndrome. Last evaluated: 2024-03-05. Review status: criteria provided, single submitter. Criteria: ACMG Guidelines, 2015. Collection method: clinical testing. Allele origin: germline.
Comment: This variant inserts 1 nucleotide in exon 41 of the ATM gene, creating a frameshift and premature translation stop signal. This variant is expected to result in an absent or non-functional protein product. To our knowledge, functional studies have not been reported for this variant. This variant has been reported in compound heterozygosity with a second pathogenic variant in individuals affected with ataxia-telangiectasia (PMID: 8659541, 10817650, 12673797, 16158199). This variant has also been reported in individuals affected with prostate cancer (PMID: 25586381, 27989354), and Lynch syndrome-associated cancer and/or polyps (PMID: 25980754). This variant has not been identified in the general population by the Genome Aggregation Database (gnomAD). Loss of ATM function is a known mechanism of disease. Based on the available evidence, this variant is classified as Pathogenic.

Myriad Genetics, Inc.
Classification: Pathogenic for Familial cancer of breast. Last evaluated: 2024-01-26. Review status: criteria provided, single submitter. Criteria: Myriad Autosomal Dominant, Autosomal Recessive and X-Linked Classification Criteria (2023). Collection method: clinical testing. Allele origin: unknown.
Comment: This variant is considered pathogenic. This variant creates a frameshift predicted to result in premature protein truncation.

Baylor Genetics
Classification: Pathogenic for Familial cancer of breast. Last evaluated: 2023-12-22. Review status: criteria provided, single submitter. Criteria: ACMG Guidelines, 2015. Collection method: clinical testing. Allele origin: unknown.

Women's Health and Genetics/Laboratory Corporation of America, LabCorp
Classification: Pathogenic for Ataxia-telangiectasia syndrome. Last evaluated: 2020-10-12. Review status: criteria provided, single submitter. Criteria: LabCorp Variant Classification Summary - May 2015. Collection method: clinical testing. Allele origin: germline.
Comment: Variant summary: ATM c.6015dupC (p.Glu2007ArgfsX11) results in a premature termination codon, predicted to cause a truncation of the encoded protein or absence of the protein due to nonsense mediated decay, which are commonly known mechanisms for disease. Truncations downstream of this position have been classified as pathogenic by our laboratory. The variant was absent in 251202 control chromosomes (gnomAD). c.6015dupC has been reported in the literature in individuals affected with Ataxia-Telangiectasia and prostate cancer, and one individual having a history of Lynch syndrome associated cancer and/or polyps (Telatar_1996, Li_2000, Yurgelun_2015, Na_2017, Wu_2020). These data indicate that the variant is likely to be associated with disease. To our knowledge, no experimental evidence demonstrating an impact on protein function has been reported. Two ClinVar submitters (evaluation after 2014) cite the variant as pathogenic. Based on the evidence outlined above, the variant was classified as pathogenic.

Natera, Inc.
Classification: Pathogenic for Ataxia-telangiectasia. Last evaluated: 2020-09-16. Review status: no assertion criteria provided. Collection method: clinical testing. Allele origin: germline. Not counted in ClinVar's aggregate classification.

Literature cited by the submitters: PubMed 23807571 (cited by Labcorp Genetics (formerly Invitae), Labcorp); PubMed 25614872 (cited by Labcorp Genetics (formerly Invitae), Labcorp); PubMed 8659541 (cited by 4 submitters); PubMed 25980754 (cited by 3 submitters); PubMed 27989354 (cited by 4 submitters); PubMed 10817650 (cited by 3 submitters); PubMed 11857346 (cited by Ambry Genetics and Women's Health and Genetics/Laboratory Corporation of America, LabCorp); PubMed 12673797 (cited by 3 submitters); PubMed 31948886 (cited by Ambry Genetics and Women's Health and Genetics/Laboratory Corporation of America, LabCorp); PubMed 9872980 (cited by Ambry Genetics and Women's Health and Genetics/Laboratory Corporation of America, LabCorp); PubMed 16158199 (cited by Color Diagnostics, LLC DBA Color Health); PubMed 25586381 (cited by Color Diagnostics, LLC DBA Color Health).

NM_000051.4(ATM):c.6015dup (p.Glu2007fs)

Genes: ATM (ATM serine/threonine kinase; plus strand), C11orf65 (chromosome 11 open reading frame 65; minus strand). Cytogenetic location: 11q22.3.
Variant type: Duplication.
Coding change: c.6015dup on transcript NM_000051.4 (MANE Select); coding-DNA position 6015, one base duplicated (C; older notation c.6015dupC).
Protein change: p.Glu2007fs; shifts the reading frame from glutamic acid 2007.
Molecular consequence: frameshift variant. On other transcripts: intron variant (2).
Genome position (GRCh38, 1-based): chr11:108,315,831, C duplicated. VCF-style (leftmost placement, unchanged base first): chr11-108315830-T-TC. GRCh37 (hg19) VCF-style: chr11-108186557-T-TC.
Other names: c.6015dup, p.Glu2007fs (NM_001351834.2); c.641-6760dup (NM_001330368.2); c.*39-6760dup (NM_001351110.2); c.6015dupC (NM_000051.3); short protein forms E2007fs.
Identifiers: ClinVar variation 490638 (VCV000490638.22), dbSNP rs1438576066, ClinGen allele CA645596405.